The following is an entry in ClinVar:

ClinVar aggregate classification (germline): Benign/Likely benign. Review status: criteria provided, multiple submitters, no conflicts (2 of 4 stars). 3 submissions from 3 submitters: Benign (1); Likely benign (2). Last evaluated 2025-12-10.

Conditions:
Birt-Hogg-Dube syndrome 1 (BHD1). Also called: FIBROFOLLICULOMAS WITH TRICHODISCOMAS AND ACROCHORDONS. Identifiers: Orphanet 122, MedGen CN375946, MONDO:0800445, OMIM 135150.
Hereditary cancer-predisposing syndrome. Also called: Hereditary neoplastic syndrome; Neoplastic Syndromes, Hereditary; Tumor predisposition; Hereditary Cancer Syndrome. Identifiers: Orphanet 140162, MedGen C0027672, MeSH D009386, MONDO:0015356.
Birt-Hogg-Dube syndrome. Also called: Birt Hogg Dubé syndrome. Identifiers: Orphanet 122, MedGen C0346010, MONDO:0800444.

Submissions (3):

Labcorp Genetics (formerly Invitae), Labcorp
Classification: Likely benign for Birt-Hogg-Dube syndrome. Last evaluated: 2025-12-10. Review status: criteria provided, single submitter. Criteria: Invitae Variant Classification Sherloc (09022015). Collection method: clinical testing. Allele origin: germline.

Myriad Genetics, Inc.
Classification: Benign for Birt-Hogg-Dube syndrome 1. Last evaluated: 2024-10-24. Review status: criteria provided, single submitter. Criteria: Myriad Autosomal Dominant, Autosomal Recessive and X-Linked Classification Criteria (2023). Collection method: clinical testing. Allele origin: unknown.
Comment: This variant is considered benign. This variant is a silent/synonymous amino acid change and it is not expected to impact splicing.

Ambry Genetics
Classification: Likely benign for Hereditary cancer-predisposing syndrome. Last evaluated: 2022-02-12. Review status: criteria provided, single submitter. Criteria: Ambry Variant Classification Scheme 2023. Collection method: clinical testing. Allele origin: germline.

NM_144997.7(FLCN):c.1113G>A (p.Gly371=)

Gene: FLCN (folliculin; minus strand). Cytogenetic location: 17p11.2.
Variant type: single nucleotide variant.
Coding change: c.1113G>A on transcript NM_144997.7 (MANE Select); coding-DNA position 1113, G replaced by A.
Protein change: p.Gly371=; no amino-acid change (glycine 371 retained).
Molecular consequence: synonymous variant.
Genome position (GRCh38, 1-based): chr17:17,217,132, C>T on the plus strand (G>A on the coding strand, the complement: FLCN is on the minus strand). VCF-style: chr17-17217132-C-T. GRCh37 (hg19) VCF-style: chr17-17120446-C-T.
Other names: c.1113G>A (LRG_325t1); c.1167G>A, p.Gly389= (NM_001353229.2); c.1113G>A, p.Gly371= (NM_001353230.2, NM_001353231.2).
Identifiers: ClinVar variation 460580 (VCV000460580.14), dbSNP rs1555607972, ClinGen allele CA498163386.